The following is an entry in ClinVar:

ClinVar aggregate classification (germline): Uncertain significance (1 of 4 stars; one submission).

Conditions:
Combined immunodeficiency due to DOCK8 deficiency (HIES2). Also called: HIES autosomal recessive; Hyper-IgE recurrent infection syndrome, autosomal recessive; HYPER-IgE RECURRENT INFECTION SYNDROME 2, AUTOSOMAL RECESSIVE; DOCK8 Deficiency; HYPER-IgE SYNDROME 2, AUTOSOMAL RECESSIVE, WITH RECURRENT INFECTIONS. Identifiers: Orphanet 217390, MedGen C4722305, MONDO:0009478, OMIM 243700.

Submission:

Neuberg Centre For Genomic Medicine, NCGM
Classification: Uncertain significance for Combined immunodeficiency due to DOCK8 deficiency. Review status: criteria provided, single submitter. Criteria: ACMG Guidelines, 2015. Collection method: clinical testing. Allele origin: germline. Inheritance: Autosomal recessive inheritance. Affected: yes.
Comment: The missense variant p.Glu1811Gln in DOCK8 (NM_203447.4) has not been reported previously as a pathogenic variant nor as a benign variant, to our knowledge. The p.Glu1811Gln variant is novel (not in any individuals) in gnomAD Exomes and is novel (not in any individuals) in 1000 Genomes. There is a small physicochemical difference between glutamic acid and glutamine, which is not likely to impact secondary protein structure as these residues share similar properties. For these reasons, this variant has been classified as Uncertain Significance.

NM_203447.4(DOCK8):c.5431_5433delinsCAA (p.Glu1811Gln)

Gene: DOCK8 (dedicator of cytokinesis 8; plus strand). Cytogenetic location: 9p24.3.
Variant type: Indel.
Coding change: c.5431_5433delinsCAA on transcript NM_203447.4 (MANE Select); coding-DNA positions 5431 to 5433, GAG replaced by CAA.
Protein change: p.Glu1811Gln; replaces glutamic acid 1811 with glutamine.
Molecular consequence: missense variant.
Genome position (GRCh38, 1-based): chr9:441,950-441,952, GAG replaced by CAA. VCF-style: chr9-441950-GAG-CAA. GRCh37 (hg19) VCF-style: chr9-441950-GAG-CAA.
Other names: c.5131_5133delinsCAA, p.Glu1711Gln (NM_001190458.2); c.5227_5229delinsCAA, p.Glu1743Gln (NM_001193536.2); short protein forms E1711Q, E1743Q, E1811Q.
Identifiers: ClinVar variation 2627417 (VCV002627417.1), dbSNP rs2537436275, ClinGen allele CA2582341978.